The following is an entry in ClinVar:

NM_005619.5(RTN2):c.560-11T>C

Genes: OPA3-RTN2 (OPA3-RTN2 readthrough; minus strand), RTN2 (reticulon 2; minus strand). Cytogenetic location: 19q13.32.
Variant type: single nucleotide variant.
Coding change: c.560-11T>C on transcript NM_005619.5 (MANE Select); 11 bases into the intron before coding-DNA position 560, T replaced by C.
Molecular consequence: intron variant.
Genome position (GRCh38, 1-based): chr19:45,494,431, A>G on the plus strand (T>C on the coding strand, the complement: RTN2 is on the minus strand). VCF-style: chr19-45494431-A-G. GRCh37 (hg19) VCF-style: chr19-45997689-A-G.
Other names: c.560-11T>C (NM_206900.3).
Identifiers: ClinVar variation 512371 (VCV000512371.3), dbSNP rs768375312, ClinGen allele CA9516223.
Genomic context (GRCh38, chr19:45,494,431, plus strand): 5'-CAAGACCTCGGGCGATGAGGGCTGAGCAAGTCGGAGTCGTAGGTCCAGTTCTGATACGGT[A>G]GAGAGAGGAGGCCGTGAGCTTTCTTCTTGGAGGTGCCCCAAGGAGAAACCACCCACCCCT-3'

ClinVar aggregate classification (germline): Likely benign. Review status: criteria provided, multiple submitters, no conflicts (2 of 4 stars). 2 submissions from 2 submitters: Likely benign (2). Last evaluated 2024-11-08.

Conditions:
Spastic paraplegia. Identifiers: MedGen C0037772, HP:0001258.

Allele frequency attached by ClinVar (database versions not stated): gnomAD 0.00001; ExAC 0.00002; gnomAD exomes 0.00002 and 0.00004; TOPMed 0.00002.
gnomAD v4.1: 76 of 1,607,746 alleles (0.0047%); highest among the groups gnomAD compares: Non-Finnish European, 0.0054%; no homozygotes.

Submissions (2):

Labcorp Genetics (formerly Invitae), Labcorp
Classification: Likely benign for Spastic paraplegia. Last evaluated: 2024-11-08. Review status: criteria provided, single submitter. Criteria: Invitae Variant Classification Sherloc (09022015). Collection method: clinical testing. Allele origin: germline.

GeneDx
Classification: Likely benign. Last evaluated: 2017-09-29. Review status: criteria provided, single submitter. Criteria: GeneDx Variant Classification (06012015). Collection method: clinical testing. Allele origin: germline. Affected: yes.
Comment: This variant is considered likely benign or benign based on one or more of the following criteria: it is a conservative change, it occurs at a poorly conserved position in the protein, it is predicted to be benign by multiple in silico algorithms, and/or has population frequency not consistent with disease.